The following is an entry in ClinVar:

ClinVar aggregate classification (germline): Pathogenic (1 of 4 stars; one submission).

Conditions:
Spastic paraplegia. Identifiers: MedGen C0037772, HP:0001258.

Submission:

Labcorp Genetics (formerly Invitae), Labcorp
Classification: Pathogenic for Spastic paraplegia. Last evaluated: 2024-06-04. Review status: criteria provided, single submitter. Criteria: Invitae Variant Classification Sherloc (09022015). Collection method: clinical testing. Allele origin: germline.
Comment: This sequence change creates a premature translational stop signal (p.Arg909Alafs*9) in the KDM5C gene. It is expected to result in an absent or disrupted protein product. Loss-of-function variants in KDM5C are known to be pathogenic (PMID: 15586325, 18697827). This variant is not present in population databases (gnomAD no frequency). This variant has not been reported in the literature in individuals affected with KDM5C-related conditions. Algorithms developed to predict the effect of sequence changes on RNA splicing suggest that this variant may disrupt the consensus splice site. For these reasons, this variant has been classified as Pathogenic.

Literature cited by the submitters: PubMed 15586325; PubMed 18697827.

NM_004187.5(KDM5C):c.2724dup (p.Arg909fs)

Gene: KDM5C (lysine demethylase 5C; minus strand). Cytogenetic location: Xp11.22.
Variant type: Duplication.
Coding change: c.2724dup on transcript NM_004187.5 (MANE Select); coding-DNA position 2724, one base duplicated (G; older notation c.2724dupG).
Protein change: p.Arg909fs; shifts the reading frame from arginine 909.
Molecular consequence: frameshift variant. On other transcripts: non-coding transcript variant (3).
Genome position (GRCh38, 1-based): chrX:53,196,943, C duplicated on the plus strand (G on the coding strand, the reverse complement: KDM5C is on the minus strand); the first of 5 consecutive C bases (chrX:53,196,943-53,196,947); duplicating any one gives the same sequence. VCF-style (leftmost placement, unchanged base first): chrX-53196942-G-GC. GRCh37 (hg19) VCF-style: chrX-53226124-G-GC.
Other names: c.2523dup, p.Arg842fs (NM_001146702.2); c.2721dup, p.Arg908fs (NM_001282622.3, NM_001353979.2, NM_001353982.2); c.2724dup, p.Arg909fs (NM_001353978.3, NM_001353981.2, NM_001353984.2); short protein forms R908fs, R909fs, R842fs.
Identifiers: ClinVar variation 3654767 (VCV003654767.2).
Genomic context (GRCh38, chrX:53,196,942, plus strand): 5'-GCGCCTGTTCCACCTGCCGCTGGAGCTGCTGGGCCTCAGGCACCTCCACCCCCAGCTGCC[G>GC]CCCCCTCTCCAACAGGGACTGCAGTAGCCCTGGACTGGAGGGCAGTGAGGCCAGGGCCTC-3'